The following is an entry in ClinVar:

NM_003786.4(ABCC3):c.202C>T (p.His68Tyr)

Gene: ABCC3 (ATP binding cassette subfamily C member 3; plus strand). Cytogenetic location: 17q21.33.
Variant type: single nucleotide variant.
Coding change: c.202C>T on transcript NM_003786.4 (MANE Select); coding-DNA position 202, C replaced by T.
Protein change: p.His68Tyr; replaces histidine 68 with tyrosine.
Molecular consequence: missense variant.
Genome position (GRCh38, 1-based): chr17:50,655,988, C>T. VCF-style: chr17-50655988-C-T. GRCh37 (hg19) VCF-style: chr17-48733349-C-T.
Other names: c.202C>T, p.His68Tyr (NM_001144070.2); short protein forms H68Y.
Identifiers: ClinVar variation 774520 (VCV000774520.28), dbSNP rs34926034, ClinGen allele CA8653974.

ClinVar aggregate classification (germline): Benign. Review status: criteria provided, multiple submitters, no conflicts (2 of 4 stars). 3 submissions from 3 submitters: Benign (3). Last evaluated 2023-05-01.

Allele frequency attached by ClinVar (database versions not stated): 1000 Genomes Project 0.00260; 1000 Genomes Project 30x 0.00281; TOPMed 0.00605; gnomAD 0.00691 and 0.00731; ESP Exome Variant Server 0.00707; ExAC 0.00720; gnomAD exomes 0.00773 and 0.00962.

Submissions (3):

CeGaT Center for Human Genetics Tuebingen
Classification: Benign. Last evaluated: 2023-05-01. Review status: criteria provided, single submitter. Criteria: CeGaT Center For Human Genetics Tuebingen Variant Classification Criteria Version 2. Collection method: clinical testing. Allele origin: germline. Affected: yes. Observed: 1 variant allele.
Comment: ABCC3: BP4, BS1, BS2

Labcorp Genetics (formerly Invitae), Labcorp
Classification: Benign. Last evaluated: 2018-03-29. Review status: criteria provided, single submitter. Criteria: Invitae Variant Classification Sherloc (09022015). Collection method: clinical testing. Allele origin: germline.

Breakthrough Genomics
Classification: Benign. Review status: criteria provided, single submitter. Criteria: ACMG Guidelines, 2015. Collection method: not provided. Allele origin: germline. Inheritance: Unknown mechanism. Affected: yes.